The following is an entry in ClinVar:

ClinVar aggregate classification (germline): Benign (1 of 4 stars; one submission).

Conditions:
Hereditary diffuse gastric adenocarcinoma (HDGC). Also called: DIFFUSE GASTRIC AND LOBULAR BREAST CANCER SYNDROME. Identifiers: Orphanet 26106, MedGen C1708349, MONDO:0007648, OMIM 137215.

gnomAD v4.1: 3 of 1,612,718 alleles (0.00019%); highest among the groups gnomAD compares: Admixed American, 0.0017%; no homozygotes.

Submission:

Myriad Genetics, Inc.
Classification: Benign for Hereditary diffuse gastric adenocarcinoma. Last evaluated: 2024-10-15. Review status: criteria provided, single submitter. Criteria: Myriad Autosomal Dominant, Autosomal Recessive and X-Linked Classification Criteria (2023). Collection method: clinical testing. Allele origin: unknown.
Comment: This variant is considered benign. This variant is a silent/synonymous amino acid change and it is not expected to impact splicing.

NM_001903.5(CTNNA1):c.2283C>T (p.Arg761=)

Gene: CTNNA1 (catenin alpha 1; plus strand). Cytogenetic location: 5q31.2.
Variant type: single nucleotide variant.
Coding change: c.2283C>T on transcript NM_001903.5 (MANE Select); coding-DNA position 2283, C replaced by T.
Protein change: p.Arg761=; no amino-acid change (arginine 761 retained).
Molecular consequence: synonymous variant.
Genome position (GRCh38, 1-based): chr5:138,930,920, C>T. VCF-style: chr5-138930920-C-T. GRCh37 (hg19) VCF-style: chr5-138266609-C-T.
Other names: c.930C>T, p.Arg310= (NM_001324013.1, NM_001324012.1); c.2283C>T, p.Arg761= (NM_001290307.3, NM_001323982.2, NM_001323983.1 and 2 more transcripts); c.1974C>T, p.Arg658= (NM_001290309.3); c.1914C>T, p.Arg638= (NM_001290310.3); c.1173C>T, p.Arg391= (NM_001290312.1, NM_001323987.1, NM_001323988.1 and 17 more transcripts); c.2190C>T, p.Arg730= (NM_001323986.2); c.834C>T, p.Arg278= (NM_001324006.1, NM_001324007.1, NM_001324008.1 and 2 more transcripts); c.1080C>T, p.Arg360= (NM_001324011.1).
Identifiers: ClinVar variation 3773283 (VCV003773283.1).